The following is an entry in ClinVar:

ClinVar aggregate classification (germline): Likely benign (1 of 4 stars; one submission).

Allele frequency attached by ClinVar (database versions not stated): 1000 Genomes Project 0.00020; 1000 Genomes Project 30x 0.00031; TOPMed 0.00048; gnomAD 0.00052 and 0.00054; gnomAD exomes 0.00054 and 0.00071; ESP Exome Variant Server 0.00062; ExAC 0.00066.
gnomAD v4.1: 1,109 of 1,612,280 alleles (0.069%); highest among the groups gnomAD compares: Non-Finnish European, 0.086%; no homozygotes.

Submission:

GeneDx
Classification: Likely benign. Last evaluated: 2018-02-07. Review status: criteria provided, single submitter. Criteria: GeneDx Variant Classification (06012015). Collection method: clinical testing. Allele origin: germline. Affected: yes.
Comment: This variant is considered likely benign or benign based on one or more of the following criteria: it is a conservative change, it occurs at a poorly conserved position in the protein, it is predicted to be benign by multiple in silico algorithms, and/or has population frequency not consistent with disease.

NM_001347995.2(ENTREP1):c.711+7C>G

Gene: ENTREP1 (endosomal transmembrane epsin interactor 1; plus strand). Cytogenetic location: 9q21.12.
Variant type: single nucleotide variant.
Coding change: c.711+7C>G on transcript NM_001347995.2 (MANE Select); 7 bases into the intron after coding-DNA position 711, C replaced by G.
Molecular consequence: intron variant.
Genome position (GRCh38, 1-based): chr9:69,375,871, C>G. VCF-style: chr9-69375871-C-G. GRCh37 (hg19) VCF-style: chr9-71990787-C-G.
Other names: c.252+7C>G (NM_001127608.3, NM_004816.5).
Identifiers: ClinVar variation 509118 (VCV000509118.2), dbSNP rs202041157, ClinGen allele CA5074178.